The following is an entry in ClinVar:

NM_001101362.3(KBTBD13):c.331G>C (p.Asp111His)

Gene: KBTBD13 (kelch repeat and BTB domain containing 13; plus strand). Cytogenetic location: 15q22.31.
Variant type: single nucleotide variant.
Coding change: c.331G>C on transcript NM_001101362.3 (MANE Select); coding-DNA position 331, G replaced by C.
Protein change: p.Asp111His; replaces aspartic acid 111 with histidine.
Molecular consequence: missense variant.
Genome position (GRCh38, 1-based): chr15:65,077,146, G>C. VCF-style: chr15-65077146-G-C. GRCh37 (hg19) VCF-style: chr15-65369484-G-C.
Other names: short protein forms D111H.
Identifiers: ClinVar variation 1908987 (VCV001908987.6), dbSNP rs567309902, ClinGen allele CA392859887.

ClinVar aggregate classification (germline): Uncertain significance. Review status: criteria provided, multiple submitters, no conflicts (2 of 4 stars). 2 submissions from 2 submitters: Uncertain significance (2). Last evaluated 2025-10-28.

Conditions:
Nemaline myopathy 6 (NEM6). Also called: Nemaline myopathy 6, autosomal dominant. Identifiers: Orphanet 171439, MedGen C1836472, MONDO:0012237, OMIM 609273.
Inborn genetic diseases. Identifiers: MedGen C0950123, MeSH D030342.

gnomAD v4.1: 16 of 1,514,662 alleles (0.0011%); highest among the groups gnomAD compares: Middle Eastern, 0.017%; no homozygotes.

Submissions (2):

Ambry Genetics
Classification: Uncertain significance for Inborn genetic diseases. Last evaluated: 2025-10-28. Review status: criteria provided, single submitter. Criteria: Ambry Variant Classification Scheme 2023. Collection method: clinical testing. Allele origin: germline.

Labcorp Genetics (formerly Invitae), Labcorp
Classification: Uncertain significance for Nemaline myopathy 6. Last evaluated: 2022-09-07. Review status: criteria provided, single submitter. Criteria: Invitae Variant Classification Sherloc (09022015). Collection method: clinical testing. Allele origin: germline.
Comment: This variant has not been reported in the literature in individuals affected with KBTBD13-related conditions. Algorithms developed to predict the effect of missense changes on protein structure and function (SIFT, PolyPhen-2, Align-GVGD) all suggest that this variant is likely to be tolerated. In summary, the available evidence is currently insufficient to determine the role of this variant in disease. Therefore, it has been classified as a Variant of Uncertain Significance. The frequency data for this variant in the population databases is considered unreliable, as metrics indicate poor data quality at this position in the gnomAD database. This sequence change replaces aspartic acid, which is acidic and polar, with histidine, which is basic and polar, at codon 111 of the KBTBD13 protein (p.Asp111His).